The following is an entry in ClinVar:

NM_001267550.2(TTN):c.85768C>A (p.Arg28590=)

Genes: TTN (titin; minus strand), TTN-AS1 (TTN antisense RNA 1; plus strand). Cytogenetic location: 2q31.2.
Variant type: single nucleotide variant.
Coding change: c.85768C>A on transcript NM_001267550.2 (MANE Select); coding-DNA position 85768, C replaced by A.
Protein change: p.Arg28590=; no amino-acid change (arginine 28590 retained).
Molecular consequence: synonymous variant.
Genome position (GRCh38, 1-based): chr2:178,560,364, G>T on the plus strand (C>A on the coding strand, the complement: TTN is on the minus strand). VCF-style: chr2-178560364-G-T. GRCh37 (hg19) VCF-style: chr2-179425091-G-T.
Other names: p.Arg26022=; c.80845C>A, p.Arg26949= (NM_001256850.1); c.58573C>A, p.Arg19525= (NM_003319.4); c.78064C>A, p.Arg26022= (NM_133378.4); c.58948C>A, p.Arg19650= (NM_133432.3); c.59149C>A, p.Arg19717= (NM_133437.4).
Identifiers: ClinVar variation 699513 (VCV000699513.17), dbSNP rs748689777, ClinGen allele CA1988589.

ClinVar aggregate classification (germline): Likely benign. Review status: criteria provided, multiple submitters, no conflicts (2 of 4 stars). 6 submissions from 6 submitters: Likely benign (6). Last evaluated 2026-03-30.

Conditions:
TTN-related disorder. Also called: TTN-related condition; TTN-related disease; TTN-related disorders.
Cardiovascular phenotype. Identifiers: MedGen CN230736.
Autosomal recessive limb-girdle muscular dystrophy type 2J (LGMDR10). Also called: Limb-girdle muscular dystrophy, type 2J; MUSCULAR DYSTROPHY, LIMB-GIRDLE, AUTOSOMAL RECESSIVE 10. Identifiers: Orphanet 140922, MedGen C1837342, MONDO:0012127, OMIM 608807.
Dilated cardiomyopathy 1G (CMD1G). Identifiers: Orphanet 154, MedGen C1858763, MONDO:0011400, OMIM 604145.
Early-onset myopathy with fatal cardiomyopathy (CMYO5). Also called: Salih Myopathy; CONGENITAL MYOPATHY 5 WITH CARDIOMYOPATHY. Identifiers: Orphanet 289377, MedGen C2673677, MONDO:0012714, OMIM 611705. Disease mechanism: loss of function.
Tibial muscular dystrophy (TMD). Also called: Tibial muscular dystrophy, tardive; Udd Distal Myopathy – Tibial Muscular Dystrophy; UDD MYOPATHY. Identifiers: Orphanet 609, MedGen C1838244, MONDO:0010870, OMIM 600334.
Myopathy, myofibrillar, 9, with early respiratory failure (MFM9). Also called: Hereditary myopathy with early respiratory failure; MYOPATHY, PROXIMAL, WITH EARLY RESPIRATORY MUSCLE INVOLVEMENT; Myopathy, distal, with early respiratory failure, autosomal dominant; EDSTROM MYOPATHY. Identifiers: Orphanet 178464, Orphanet 34521, MedGen C1863599, MONDO:0011362, OMIM 603689.
Hypertrophic cardiomyopathy 9. Also called: Familial hypertrophic cardiomyopathy 9. Identifiers: MedGen C1861065, MONDO:0013412, OMIM 613765.

Allele frequency attached by ClinVar (database versions not stated): ExAC 0.00001; gnomAD 0.00001; gnomAD exomes 0.00001; TOPMed 0.00002.
gnomAD v4.1: 31 of 1,613,338 alleles (0.0019%); highest among the groups gnomAD compares: Non-Finnish European, 0.0025%; no homozygotes.

Submissions (6):

PreventionGenetics, part of Exact Sciences
Classification: Likely benign for TTN-related condition. Last evaluated: 2026-03-30. Review status: criteria provided, single submitter. Criteria: ACMG Guidelines, 2015. Collection method: clinical testing. Allele origin: germline.
Comment: This variant is classified as likely benign based on ACMG/AMP sequence variant interpretation guidelines (Richards et al. 2015 PMID: 25741868, with internal and published modifications).

Labcorp Genetics (formerly Invitae), Labcorp
Classification: Likely benign for Dilated cardiomyopathy 1G; Autosomal recessive limb-girdle muscular dystrophy type 2J. Last evaluated: 2026-01-19. Review status: criteria provided, single submitter. Criteria: Invitae Variant Classification Sherloc (09022015). Collection method: clinical testing. Allele origin: germline.

Ambry Genetics
Classification: Likely benign for Cardiovascular phenotype. Last evaluated: 2025-04-12. Review status: criteria provided, single submitter. Criteria: Ambry Variant Classification Scheme 2023. Collection method: clinical testing. Allele origin: germline.

Mayo Clinic Laboratories, Mayo Clinic
Classification: Likely benign. Last evaluated: 2025-01-21. Review status: criteria provided, single submitter. Criteria: ACMG Guidelines, 2015. Collection method: clinical testing. Allele origin: germline. Observed: 1 variant allele.
Comment: BP4, BP7

Fulgent Genetics
Classification: Likely benign for Tibial muscular dystrophy; Myopathy, myofibrillar, 9, with early respiratory failure; Dilated cardiomyopathy 1G; Autosomal recessive limb-girdle muscular dystrophy type 2J; Early-onset myopathy with fatal cardiomyopathy; Hypertrophic cardiomyopathy 9. Last evaluated: 2021-07-07. Review status: criteria provided, single submitter. Criteria: ACMG Guidelines, 2015. Collection method: clinical testing. Allele origin: unknown.

GeneDx
Classification: Likely benign. Last evaluated: 2021-03-01. Review status: criteria provided, single submitter. Criteria: GeneDx Variant Classification Process June 2021. Collection method: clinical testing. Allele origin: germline. Affected: yes.